The following is an entry in ClinVar:

NM_000426.4(LAMA2):c.3478C>A (p.Pro1160Thr)

Gene: LAMA2 (laminin subunit alpha 2; plus strand). Cytogenetic location: 6q22.33.
Variant type: single nucleotide variant.
Coding change: c.3478C>A on transcript NM_000426.4 (MANE Select); coding-DNA position 3478, C replaced by A.
Protein change: p.Pro1160Thr; replaces proline 1160 with threonine.
Molecular consequence: missense variant.
Genome position (GRCh38, 1-based): chr6:129,314,721, C>A. VCF-style: chr6-129314721-C-A. GRCh37 (hg19) VCF-style: chr6-129635866-C-A.
Other names: c.3478C>A, p.Pro1160Thr (NM_001079823.2); short protein forms P1160T.
Identifiers: ClinVar variation 653850 (VCV000653850.7), dbSNP rs1007748295, ClinGen allele CA146913407.

ClinVar aggregate classification (germline): Uncertain significance. Review status: criteria provided, multiple submitters, no conflicts (2 of 4 stars). 2 submissions from 2 submitters: Uncertain significance (2). Last evaluated 2023-04-10.

Conditions:
LAMA2-related muscular dystrophy (LAMA2-RD). Also called: Laminin alpha 2-related dystrophy. Identifiers: MedGen C5679788, MONDO:0100228.

Allele frequency attached by ClinVar (database versions not stated): TOPMed below 0.00001; gnomAD 0.00001.
gnomAD v4.1: 3 of 1,613,676 alleles (0.00019%); highest among the groups gnomAD compares: African/African-American, 0.004%; no homozygotes.

Submissions (2):

GeneDx
Classification: Uncertain significance. Last evaluated: 2023-04-10. Review status: criteria provided, single submitter. Criteria: GeneDx Variant Classification Process June 2021. Collection method: clinical testing. Allele origin: germline. Affected: yes.
Comment: Not observed at significant frequency in large population cohorts (gnomAD); In silico analysis supports that this missense variant has a deleterious effect on protein structure/function; Has not been previously published as pathogenic or benign to our knowledge

Labcorp Genetics (formerly Invitae), Labcorp
Classification: Uncertain significance for LAMA2-related muscular dystrophy. Last evaluated: 2022-06-04. Review status: criteria provided, single submitter. Criteria: Invitae Variant Classification Sherloc (09022015). Collection method: clinical testing. Allele origin: germline.
Comment: This sequence change replaces proline, which is neutral and non-polar, with threonine, which is neutral and polar, at codon 1160 of the LAMA2 protein (p.Pro1160Thr). This variant is present in population databases (no rsID available, gnomAD 0.01%). This variant has not been reported in the literature in individuals affected with LAMA2-related conditions. ClinVar contains an entry for this variant (Variation ID: 653850). Advanced modeling of protein sequence and biophysical properties (such as structural, functional, and spatial information, amino acid conservation, physicochemical variation, residue mobility, and thermodynamic stability) performed at Invitae indicates that this missense variant is not expected to disrupt LAMA2 protein function. In summary, the available evidence is currently insufficient to determine the role of this variant in disease. Therefore, it has been classified as a Variant of Uncertain Significance.